The following is an entry in ClinVar:

ClinVar aggregate classification (germline): Uncertain significance (1 of 4 stars; one submission).

Conditions:
H syndrome. Also called: FAISALABAD HISTIOCYTOSIS; Histiocytosis with joint contractures and sensorineural deafness; Pigmented hypertrichosis and insulin-dependent diabetes mellitus; SINUS HISTIOCYTOSIS AND MASSIVE LYMPHADENOPATHY; HISTIOCYTOSIS AND LYMPHADENOPATHY WITH OR WITHOUT CUTANEOUS, CARDIAC, AND/OR ENDOCRINE FEATURES, JOINT CONTRACTURES, AND/OR DEAFNESS; HYPERPIGMENTATION, CUTANEOUS, WITH HYPERTRICHOSIS, HEPATOSPLENOMEGALY, HEART ANOMALIES, AND HYPOGONADISM WITH OR WITHOUT HEARING LOSS. Identifiers: Orphanet 168569, MedGen C1864445, MONDO:0011273, OMIM 602782.

Allele frequency attached by ClinVar (database versions not stated): gnomAD exomes below 0.00001; TOPMed below 0.00001.

Submission:

Labcorp Genetics (formerly Invitae), Labcorp
Classification: Uncertain significance for H syndrome. Last evaluated: 2021-08-27. Review status: criteria provided, single submitter. Criteria: Invitae Variant Classification Sherloc (09022015). Collection method: clinical testing. Allele origin: germline.
Comment: This sequence change replaces leucine with proline at codon 354 of the SLC29A3 protein (p.Leu354Pro). The leucine residue is moderately conserved and there is a moderate physicochemical difference between leucine and proline. This variant is not present in population databases (ExAC no frequency). This variant has not been reported in the literature in individuals affected with SLC29A3-related conditions. Algorithms developed to predict the effect of missense changes on protein structure and function are either unavailable or do not agree on the potential impact of this missense change (SIFT: "Deleterious"; PolyPhen-2: "Probably Damaging"; Align-GVGD: "Class C0"). In summary, the available evidence is currently insufficient to determine the role of this variant in disease. Therefore, it has been classified as a Variant of Uncertain Significance.

NM_018344.6(SLC29A3):c.1061T>C (p.Leu354Pro)

Gene: SLC29A3 (solute carrier family 29 member 3; plus strand). Cytogenetic location: 10q22.1.
Variant type: single nucleotide variant.
Coding change: c.1061T>C on transcript NM_018344.6 (MANE Select); coding-DNA position 1061, T replaced by C.
Protein change: p.Leu354Pro; replaces leucine 354 with proline.
Molecular consequence: missense variant. On other transcripts: 3 prime UTR variant (1), non-coding transcript variant (2).
Genome position (GRCh38, 1-based): chr10:71,362,241, T>C. VCF-style: chr10-71362241-T-C. GRCh37 (hg19) VCF-style: chr10-73121998-T-C.
Other names: c.*290T>C (NM_001174098.2); c.827T>C, p.Leu276Pro (NM_001363518.2); short protein forms L276P, L354P.
Identifiers: ClinVar variation 1043893 (VCV001043893.6), dbSNP rs1564543328, ClinGen allele CA377116027.